The following is an entry in ClinVar:

NM_001211.6(BUB1B):c.1453G>A (p.Glu485Lys)

Gene: BUB1B (BUB1 mitotic checkpoint serine/threonine kinase B; plus strand). Cytogenetic location: 15q15.1.
Variant type: single nucleotide variant.
Coding change: c.1453G>A on transcript NM_001211.6 (MANE Select); coding-DNA position 1453, G replaced by A.
Protein change: p.Glu485Lys; replaces glutamic acid 485 with lysine.
Molecular consequence: missense variant.
Genome position (GRCh38, 1-based): chr15:40,200,295, G>A. VCF-style: chr15-40200295-G-A. GRCh37 (hg19) VCF-style: chr15-40492496-G-A.
Other names: short protein forms E485K.
Identifiers: ClinVar variation 403748 (VCV000403748.12), dbSNP rs770704003, ClinGen allele CA7475754.

ClinVar aggregate classification (germline): Uncertain significance. Review status: criteria provided, multiple submitters, no conflicts (2 of 4 stars). 2 submissions from 2 submitters: Uncertain significance (2). Last evaluated 2023-06-05.

Conditions:
Mosaic variegated aneuploidy syndrome 1 (MVA1). Also called: Warburton-Anyane-Yeboa syndrome. Identifiers: Orphanet 1052, MedGen C1850343, MONDO:0009759, OMIM 257300.
Premature chromatid separation trait (PCS). Also called: TOTAL PREMATURE CHROMATID SEPARATION TRAIT. Identifiers: MedGen C1864389, MONDO:0008304, OMIM 176430.
Carcinoma of colon (CRC). Also called: Colon carcinoma; Colonic carcinoma. Identifiers: MedGen C0699790, MONDO:0002032.

Allele frequency attached by ClinVar (database versions not stated): ExAC 0.00001; TOPMed 0.00002.
gnomAD v4.1: 11 of 1,613,784 alleles (0.00068%); highest among the groups gnomAD compares: Middle Eastern, 0.016%; no homozygotes.

Submissions (2):

Labcorp Genetics (formerly Invitae), Labcorp
Classification: Uncertain significance for Mosaic variegated aneuploidy syndrome 1. Last evaluated: 2023-06-05. Review status: criteria provided, single submitter. Criteria: Invitae Variant Classification Sherloc (09022015). Collection method: clinical testing. Allele origin: germline.
Comment: Algorithms developed to predict the effect of missense changes on protein structure and function output the following: SIFT: "Not Available"; PolyPhen-2: "Benign"; Align-GVGD: "Not Available". The lysine amino acid residue is found in multiple mammalian species, which suggests that this missense change does not adversely affect protein function. In summary, the available evidence is currently insufficient to determine the role of this variant in disease. Therefore, it has been classified as a Variant of Uncertain Significance. ClinVar contains an entry for this variant (Variation ID: 403748). This sequence change replaces glutamic acid, which is acidic and polar, with lysine, which is basic and polar, at codon 485 of the BUB1B protein (p.Glu485Lys). This variant is present in population databases (rs770704003, gnomAD 0.01%). This variant has not been reported in the literature in individuals affected with BUB1B-related conditions.

Fulgent Genetics
Classification: Uncertain significance for Colorectal cancer; Premature chromatid separation trait; Mosaic variegated aneuploidy syndrome 1. Last evaluated: 2018-10-31. Review status: criteria provided, single submitter. Criteria: ACMG Guidelines, 2015. Collection method: clinical testing. Allele origin: unknown.